The following is an entry in ClinVar:

NM_015047.3(EMC1):c.949C>T (p.Pro317Ser)

Genes: EMC1 (ER membrane protein complex subunit 1; minus strand), EMC1-AS1 (EMC1 antisense RNA 1; plus strand). Cytogenetic location: 1p36.13.
Variant type: single nucleotide variant.
Coding change: c.949C>T on transcript NM_015047.3 (MANE Select); coding-DNA position 949, C replaced by T.
Protein change: p.Pro317Ser; replaces proline 317 with serine.
Molecular consequence: missense variant.
Genome position (GRCh38, 1-based): chr1:19,239,823, G>A on the plus strand (C>T on the coding strand, the complement: EMC1 is on the minus strand). VCF-style: chr1-19239823-G-A. GRCh37 (hg19) VCF-style: chr1-19566317-G-A.
Other names: c.949C>T, p.Pro317Ser (NM_001271427.2, NM_001271428.2, NM_001375820.1 and 1 more transcripts); c.883C>T, p.Pro295Ser (NM_001271429.2); short protein forms P295S, P317S.
Identifiers: ClinVar variation 1492507 (VCV001492507.8), dbSNP rs758203116, ClinGen allele CA652748.

ClinVar aggregate classification (germline): Uncertain significance (1 of 4 stars; one submission).

Allele frequency attached by ClinVar (database versions not stated): gnomAD exomes below 0.00001; ExAC 0.00001.
gnomAD v4.1: 1 of 1,613,844 alleles (0.000062%); highest among the groups gnomAD compares: East Asian, 0.0022%; no homozygotes.

Submission:

Labcorp Genetics (formerly Invitae), Labcorp
Classification: Uncertain significance. Last evaluated: 2022-02-10. Review status: criteria provided, single submitter. Criteria: Invitae Variant Classification Sherloc (09022015). Collection method: clinical testing. Allele origin: germline.
Comment: In summary, the available evidence is currently insufficient to determine the role of this variant in disease. Therefore, it has been classified as a Variant of Uncertain Significance. Algorithms developed to predict the effect of missense changes on protein structure and function (SIFT, PolyPhen-2, Align-GVGD) all suggest that this variant is likely to be tolerated. This variant has not been reported in the literature in individuals affected with EMC1-related conditions. The frequency data for this variant in the population databases is considered unreliable, as metrics indicate poor data quality at this position in the gnomAD database. This sequence change replaces proline, which is neutral and non-polar, with serine, which is neutral and polar, at codon 317 of the EMC1 protein (p.Pro317Ser).